The following is an entry in ClinVar:

NM_000222.3(KIT):c.91C>G (p.Pro31Ala)

Gene: KIT (KIT proto-oncogene, receptor tyrosine kinase; plus strand). Cytogenetic location: 4q12.
Variant type: single nucleotide variant.
Coding change: c.91C>G on transcript NM_000222.3 (MANE Select); coding-DNA position 91, C replaced by G.
Protein change: p.Pro31Ala; replaces proline 31 with alanine.
Molecular consequence: missense variant.
Genome position (GRCh38, 1-based): chr4:54,695,535, C>G. VCF-style: chr4-54695535-C-G. GRCh37 (hg19) VCF-style: chr4-55561701-C-G.
Other names: c.91C>G, p.Pro31Ala (NM_001093772.2, NM_001385284.1, NM_001385285.1 and 4 more transcripts); short protein forms P31A.
Identifiers: ClinVar variation 643098 (VCV000643098.12), dbSNP rs1431394530, ClinGen allele CA356896825.

ClinVar aggregate classification (germline): Uncertain significance. Review status: criteria provided, multiple submitters, no conflicts (2 of 4 stars). 2 submissions from 2 submitters: Uncertain significance (2). Last evaluated 2025-06-20.

Conditions:
Hereditary cancer-predisposing syndrome. Also called: Hereditary Cancer Syndrome; Tumor predisposition; Neoplastic Syndromes, Hereditary; Hereditary neoplastic syndrome. Identifiers: Orphanet 140162, MedGen C0027672, MeSH D009386, MONDO:0015356.
Gastrointestinal stromal tumor. Also called: Gastrointestinal stromal tumor, somatic; Gastrointestinal stroma tumor. Identifiers: Orphanet 44890, MedGen C0238198, MeSH D046152, MONDO:0011719, OMIM 606764, HP:0100723.

Submissions (2):

Ambry Genetics
Classification: Uncertain significance for Hereditary cancer-predisposing syndrome. Last evaluated: 2025-06-20. Review status: criteria provided, single submitter. Criteria: Ambry Variant Classification Scheme 2023. Collection method: clinical testing. Allele origin: germline.
Comment: The p.P31A variant (also known as c.91C>G), located in coding exon 2 of the KIT gene, results from a C to G substitution at nucleotide position 91. The proline at codon 31 is replaced by alanine, an amino acid with highly similar properties. This amino acid position is highly conserved in available vertebrate species. In addition, this alteration is predicted to be tolerated by in silico analysis. Based on the available evidence, the clinical significance of this variant remains unclear.

Labcorp Genetics (formerly Invitae), Labcorp
Classification: Uncertain significance for Gastrointestinal stromal tumor. Last evaluated: 2024-04-16. Review status: criteria provided, single submitter. Criteria: Invitae Variant Classification Sherloc (09022015). Collection method: clinical testing. Allele origin: germline.
Comment: This sequence change replaces proline, which is neutral and non-polar, with alanine, which is neutral and non-polar, at codon 31 of the KIT protein (p.Pro31Ala). This variant is not present in population databases (gnomAD no frequency). This variant has not been reported in the literature in individuals affected with KIT-related conditions. ClinVar contains an entry for this variant (Variation ID: 643098). An algorithm developed to predict the effect of missense changes on protein structure and function (PolyPhen-2) suggests that this variant is likely to be tolerated. In summary, the available evidence is currently insufficient to determine the role of this variant in disease. Therefore, it has been classified as a Variant of Uncertain Significance.